The following is an entry in ClinVar:

NM_001378454.1(ALMS1):c.1448G>C (p.Gly483Ala)

Gene: ALMS1 (ALMS1 centrosome and basal body associated protein; plus strand). Cytogenetic location: 2p13.1.
Variant type: single nucleotide variant.
Coding change: c.1448G>C on transcript NM_001378454.1 (MANE Select); coding-DNA position 1448, G replaced by C.
Protein change: p.Gly483Ala; replaces glycine 483 with alanine.
Molecular consequence: missense variant.
Genome position (GRCh38, 1-based): chr2:73,447,975, G>C. VCF-style: chr2-73447975-G-C. GRCh37 (hg19) VCF-style: chr2-73675105-G-C.
Other names: c.1451G>C, p.Gly484Ala (NM_015120.4); short protein forms G483A, G484A.
Identifiers: ClinVar variation 1903933 (VCV001903933.5), dbSNP rs1462413512, ClinGen allele CA347264422.

ClinVar aggregate classification (germline): Uncertain significance. Review status: criteria provided, multiple submitters, no conflicts (2 of 4 stars). 2 submissions from 2 submitters: Uncertain significance (2). Last evaluated 2022-08-10.

Conditions:
Alstrom syndrome (ALMS). Identifiers: Orphanet 64, MedGen C0268425, MONDO:0008763, OMIM 203800.

Allele frequency attached by ClinVar (database versions not stated): TOPMed below 0.00001; gnomAD exomes 0.00001.
gnomAD v4.1: 7 of 1,611,548 alleles (0.00043%); highest among the groups gnomAD compares: South Asian, 0.0077%; no homozygotes.

Submissions (2):

Biomedical Genomics and Oncogenetics Laboratory, Institut Pasteur de Tunis, University Tunis El Manar
Classification: Uncertain significance for Alstrom syndrome. Last evaluated: 2022-08-10. Review status: criteria provided, single submitter. Criteria: ACMG Guidelines, 2015. Collection method: research. Allele origin: germline. Affected: yes. Observed: 2 variant alleles.

Labcorp Genetics (formerly Invitae), Labcorp
Classification: Uncertain significance for Alstrom syndrome. Last evaluated: 2022-08-10. Review status: criteria provided, single submitter. Criteria: Invitae Variant Classification Sherloc (09022015). Collection method: clinical testing. Allele origin: germline.
Comment: This sequence change replaces glycine with alanine at codon 484 of the ALMS1 protein (p.Gly484Ala). The glycine residue is weakly conserved and there is a small physicochemical difference between glycine and alanine. This variant is present in population databases (no rsID available, gnomAD 0.01%). This variant has not been reported in the literature in individuals affected with ALMS1-related conditions. Experimental studies and prediction algorithms are not available or were not evaluated, and the functional significance of this variant is currently unknown. In summary, the available evidence is currently insufficient to determine the role of this variant in disease. Therefore, it has been classified as a Variant of Uncertain Significance.